The following is an entry in ClinVar:

NM_000088.4(COL1A1):c.1300-4G>A

Gene: COL1A1 (collagen type I alpha 1 chain; minus strand). Cytogenetic location: 17q21.33.
Variant type: single nucleotide variant.
Coding change: c.1300-4G>A on transcript NM_000088.4 (MANE Select); 4 bases into the intron before coding-DNA position 1300, G replaced by A.
Molecular consequence: intron variant.
Genome position (GRCh38, 1-based): chr17:50,195,104, C>T on the plus strand (G>A on the coding strand, the complement: COL1A1 is on the minus strand). VCF-style: chr17-50195104-C-T. GRCh37 (hg19) VCF-style: chr17-48272465-C-T.
Identifiers: ClinVar variation 3054248 (VCV003054248.2), dbSNP rs2509224411, ClinGen allele CA2638710493.
Genomic context (GRCh38, chr17:50,195,104, plus strand): 5'-TACAGGCTCTCCCTTAGCACCAGTGTCTCCTTTGCTGCCAGGAGCACCAGGTTCACCCTG[C>T]AAGGGGGGAGAAGAGGATGAGCTGAGAGTCGGGGGCGCTCAGTTGGCCTGCGTCTTCCTG-3'

ClinVar aggregate classification (germline): Likely benign (0 of 4 stars; one submission).

Conditions:
COL1A1-related disorder. Also called: COL1A1- related disease; COL1A1-related condition.

Allele frequency attached by ClinVar (database versions not stated): gnomAD exomes below 0.00001.
gnomAD v4.1: 2 of 1,613,498 alleles (0.00012%); highest among the groups gnomAD compares: Non-Finnish European, 0.00017%; no homozygotes.

Submission:

PreventionGenetics, part of Exact Sciences
Classification: Likely benign for COL1A1-related condition. Last evaluated: 2023-04-20. Review status: no assertion criteria provided. Collection method: clinical testing. Allele origin: germline.
Comment: This variant is classified as likely benign based on ACMG/AMP sequence variant interpretation guidelines (Richards et al. 2015 PMID: 25741868, with internal and published modifications).